The following is an entry in ClinVar:

NM_000021.4(PSEN1):c.698T>C (p.Met233Thr)

Gene: PSEN1 (presenilin 1; plus strand). Cytogenetic location: 14q24.2.
Variant type: single nucleotide variant.
Coding change: c.698T>C on transcript NM_000021.4 (MANE Select); coding-DNA position 698, T replaced by C.
Protein change: p.Met233Thr; replaces methionine 233 with threonine.
Molecular consequence: missense variant.
Genome position (GRCh38, 1-based): chr14:73,192,793, T>C. VCF-style: chr14-73192793-T-C. GRCh37 (hg19) VCF-style: chr14-73659501-T-C.
Other names: c.686T>C, p.Met229Thr (NM_007318.3); short protein forms M233T, M229T.
Identifiers: ClinVar variation 98068 (VCV000098068.4), dbSNP rs63751024, ClinGen allele CA225093.

ClinVar aggregate classification (germline): Pathogenic/Likely pathogenic. Review status: criteria provided, multiple submitters, no conflicts (2 of 4 stars). 3 submissions from 3 submitters: Pathogenic (1); Likely pathogenic (1). 1 of the submissions does not count toward it. Last evaluated 2023-03-21.

Conditions:
Alzheimer disease 3 (AD3). Also called: ALZHEIMER DISEASE, FAMILIAL, 3. Identifiers: Orphanet 1020, MedGen C1843013, MONDO:0011913, OMIM 607822.

Submissions (3):

Suna and Inan Kirac Foundation Neurodegeneration Research Laboratory, Koc University
Classification: Pathogenic for Alzheimer disease 3. Last evaluated: 2023-03-21. Review status: criteria provided, single submitter. Criteria: ACMG Guidelines, 2015. Collection method: research. Allele origin: germline. Affected: yes. Observed: 1 variant allele.

3billion
Classification: Likely pathogenic for Alzheimer disease 3. Last evaluated: 2022-01-03. Review status: criteria provided, single submitter. Criteria: ACMG Guidelines, 2015. Collection method: clinical testing. Allele origin: germline. Affected: yes. Observed: 1 heterozygote.
Comment: The variant was co-segregated with Alzheimer disease, type 3 in multiple affected family members (PMID: 9172170, PP1_P). A different missense change at the same codon has been reported as pathogenic/likely pathogenic with strong evidence (ClinVar ID: VCV000021028, PMID:10533070,11524469,11684347,22475797,28350801, PM5_M). In silico tool predictions suggest damaging effect of the variant on gene or gene product (REVEL: 0.97, 3CNET: 0.996, PP3_P). A missense variant is a common mechanism associated with Alzheimer disease (PP2_P). It is not observed in the gnomAD v2.1.1 dataset (PM2_M). Therefore, this variant is classified as likely pathogenic according to the recommendation of ACMG/AMP guideline.

VIB  Department of Molecular Genetics, University of Antwerp
No classification provided. Review status: no classification provided. Collection method: not provided. Allele origin: not provided. Not counted in ClinVar's aggregate classification.

Literature cited by the submitters: PubMed 25174650 (cited by Suna and Inan Kirac Foundation Neurodegeneration Research Laboratory, Koc University); PubMed 9172170 (cited by 3billion); PubMed 10533070 (cited by 3billion).